The following is an entry in ClinVar:

NM_000742.4(CHRNA2):c.1465-1G>A

Gene: CHRNA2 (cholinergic receptor nicotinic alpha 2 subunit; minus strand). Cytogenetic location: 8p21.2.
Variant type: single nucleotide variant.
Coding change: c.1465-1G>A on transcript NM_000742.4 (MANE Select); the canonical splice acceptor site of the intron before coding-DNA position 1465, G replaced by A.
Molecular consequence: splice acceptor variant.
Genome position (GRCh38, 1-based): chr8:27,461,755, C>T on the plus strand (G>A on the coding strand, the complement: CHRNA2 is on the minus strand). VCF-style: chr8-27461755-C-T. GRCh37 (hg19) VCF-style: chr8-27319272-C-T.
Other names: c.988-1G>A (NM_001347705.2, NM_001347706.2); c.1420-1G>A (NM_001282455.2); c.871-1G>A (NM_001347708.2, NM_001347707.2).
Identifiers: ClinVar variation 1498617 (VCV001498617.6), dbSNP rs1812498557, ClinGen allele CA370807447.

ClinVar aggregate classification (germline): Uncertain significance (1 of 4 stars; one submission).

Conditions:
Familial sleep-related hypermotor epilepsy. Also called: Autosomal Dominant Sleep-Related Hypermotor (Hyperkinetic) Epilepsy. Identifiers: Orphanet 98784, MedGen C3696898, MONDO:0000030.

Allele frequency attached by ClinVar (database versions not stated): TOPMed 0.00001.

Submission:

Labcorp Genetics (formerly Invitae), Labcorp
Classification: Uncertain significance. Last evaluated: 2022-08-16. Review status: criteria provided, single submitter. Criteria: Invitae Variant Classification Sherloc (09022015). Collection method: clinical testing. Allele origin: germline.
Comment: ClinVar contains an entry for this variant (Variation ID: 1498617). Variants that disrupt the consensus splice site are a relatively common cause of aberrant splicing (PMID: 17576681, 9536098). Algorithms developed to predict the effect of sequence changes on RNA splicing suggest that this variant may disrupt the consensus splice site. In summary, the available evidence is currently insufficient to determine the role of this variant in disease. Therefore, it has been classified as a Variant of Uncertain Significance. This sequence change falls in intron 6 of the CHRNA2 gene. It does not directly change the encoded amino acid sequence of the CHRNA2 protein. It affects a nucleotide within the consensus splice site. This variant is not present in population databases (gnomAD no frequency). This variant has not been reported in the literature in individuals affected with CHRNA2-related conditions.

Literature cited by the submitters: PubMed 17576681; PubMed 9536098.